The following is an entry in ClinVar:

NM_001292063.2(OTOG):c.1378G>C (p.Ala460Pro)

Gene: OTOG (otogelin; plus strand). Cytogenetic location: 11p15.1.
Variant type: single nucleotide variant.
Coding change: c.1378G>C on transcript NM_001292063.2 (MANE Select); coding-DNA position 1378, G replaced by C.
Protein change: p.Ala460Pro; replaces alanine 460 with proline.
Molecular consequence: missense variant.
Genome position (GRCh38, 1-based): chr11:17,560,744, G>C. VCF-style: chr11-17560744-G-C. GRCh37 (hg19) VCF-style: chr11-17582291-G-C.
Other names: c.1414G>C, p.Ala472Pro (NM_001277269.2); short protein forms A460P, A472P.
Identifiers: ClinVar variation 1308179 (VCV001308179.3), dbSNP rs764070352, ClinGen allele CA5905485.
Genomic context (GRCh38, chr11:17,560,744, plus strand): 5'-AATTGGCCCTTTGCTGTCACTCTAGGGCTCATCTTCGAGGATGGGGGCTGCGTGGCACCA[G>C]CTGAGTGTCCCTGTGAGTTTCACGGGACTCTGTACCCACCTGGCTCTGTGGTGAAGGAAG-3'
Protein context (NP_001278992.1, residues 450-470): IFEDGGCVAP[Ala460Pro]ECPCEFHGTL

ClinVar aggregate classification (germline): Uncertain significance. Review status: criteria provided, multiple submitters, no conflicts (2 of 4 stars). 2 submissions from 2 submitters: Uncertain significance (2). Last evaluated 2023-02-16.

Allele frequency attached by ClinVar (database versions not stated): gnomAD exomes 0.00001; gnomAD 0.00004; TOPMed 0.00004; ExAC 0.00006.
gnomAD v4.1: 36 of 1,550,564 alleles (0.0023%); highest among the groups gnomAD compares: Middle Eastern, 0.35%; 1 homozygote.

Submissions (2):

Blueprint Genetics
Classification: Uncertain significance. Last evaluated: 2023-02-16. Review status: criteria provided, single submitter. Criteria: ACMG Guidelines, 2015. Collection method: clinical testing. Allele origin: germline.

GeneDx
Classification: Uncertain significance. Last evaluated: 2019-08-27. Review status: criteria provided, single submitter. Criteria: GeneDx Variant Classification Process June 2021. Collection method: clinical testing. Allele origin: germline. Affected: yes.
Comment: In silico analysis, which includes protein predictors and evolutionary conservation, supports that this variant does not alter protein structure/function; Has not been previously published as pathogenic or benign to our knowledge